The following is an entry in ClinVar:

NM_001276345.2(TNNT2):c.362A>G (p.Glu121Gly)

Gene: TNNT2 (troponin T2, cardiac type; minus strand). Cytogenetic location: 1q32.1.
Variant type: single nucleotide variant.
Coding change: c.362A>G on transcript NM_001276345.2 (MANE Select); coding-DNA position 362, A replaced by G.
Protein change: p.Glu121Gly; replaces glutamic acid 121 with glycine.
Molecular consequence: missense variant. On other transcripts: intron variant (1).
Genome position (GRCh38, 1-based): chr1:201,365,240, T>C on the plus strand (A>G on the coding strand, the complement: TNNT2 is on the minus strand). VCF-style: chr1-201365240-T-C. GRCh37 (hg19) VCF-style: chr1-201334368-T-C.
Other names: c.362A>G, p.Glu121Gly (NM_000364.4); c.332A>G, p.Glu111Gly (NM_001001430.3, NM_001001431.3, NM_001276347.2); c.317A>G, p.Glu106Gly (NM_001001432.3); c.291+370A>G (NM_001276346.2); short protein forms E121G, E106G, E111G.
Identifiers: ClinVar variation 1496406 (VCV001496406.8), dbSNP rs2102261165, ClinGen allele CA344206355.
Genomic context (GRCh38, chr1:201,365,240, plus strand): 5'-TGGACACCTACGATCCTGTCTTTGAGAGAAACGAGCTCCTCCTCCTCTTTCTTCCTGTTC[T>C]CAAAGTGAGCCTCGATCAGCGCCTGCAACTCATTCAGGTCCTTCTCCATGCGCTTCCGGT-3'
Protein context (NP_001263274.1, residues 111-131): ELQALIEAHF[Glu121Gly]NRKKEEEELV

ClinVar aggregate classification (germline): Uncertain significance (1 of 4 stars; one submission).

Conditions:
Dilated cardiomyopathy 1D. Identifiers: Orphanet 154, Orphanet 54260, MedGen C1832243, MONDO:0011095, OMIM 601494.
Cardiomyopathy, familial restrictive, 3. Identifiers: Orphanet 75249, MedGen C2676271, MONDO:0012900, OMIM 612422.
Hypertrophic cardiomyopathy 2. Also called: TNNT2-Related Familial Hypertrophic Cardiomyopathy. Identifiers: MedGen C1861864, MONDO:0007266, OMIM 115195.

Submission:

Labcorp Genetics (formerly Invitae), Labcorp
Classification: Uncertain significance for Cardiomyopathy, familial restrictive, 3; Hypertrophic cardiomyopathy 2; Dilated cardiomyopathy 1D. Last evaluated: 2021-05-17. Review status: criteria provided, single submitter. Criteria: Invitae Variant Classification Sherloc (09022015). Collection method: clinical testing. Allele origin: germline.
Comment: In summary, the available evidence is currently insufficient to determine the role of this variant in disease. Therefore, it has been classified as a Variant of Uncertain Significance. Algorithms developed to predict the effect of missense changes on protein structure and function are either unavailable or do not agree on the potential impact of this missense change (SIFT: "Tolerated"; PolyPhen-2: "Probably Damaging"; Align-GVGD: "Class C0"). This variant has not been reported in the literature in individuals with TNNT2-related conditions. This variant is not present in population databases (ExAC no frequency). This sequence change replaces glutamic acid with glycine at codon 111 of the TNNT2 protein (p.Glu111Gly). The glutamic acid residue is highly conserved and there is a moderate physicochemical difference between glutamic acid and glycine.